The following is an entry in ClinVar:

ClinVar aggregate classification (germline): Benign (0 of 4 stars; one submission).

Conditions:
SEC23IP-related disorder. Also called: SEC23IP-related condition.

Allele frequency attached by ClinVar (database versions not stated): gnomAD exomes 0.00027; ExAC 0.00093; gnomAD 0.00274; TOPMed 0.00315; 1000 Genomes Project 0.00359; 1000 Genomes Project 30x 0.00359; ESP Exome Variant Server 0.00361.
gnomAD v4.1: 822 of 1,612,684 alleles (0.051%); highest among the groups gnomAD compares: African/African-American, 0.99%; 6 homozygotes.

Submission:

PreventionGenetics, part of Exact Sciences
Classification: Benign for SEC23IP-related condition. Last evaluated: 2020-01-06. Review status: no assertion criteria provided. Collection method: clinical testing. Allele origin: germline.
Comment: This variant is classified as benign based on ACMG/AMP sequence variant interpretation guidelines (Richards et al. 2015 PMID: 25741868, with internal and published modifications).

NM_007190.4(SEC23IP):c.2313+10C>T

Gene: SEC23IP (SEC23 interacting protein; plus strand). Cytogenetic location: 10q26.12.
Variant type: single nucleotide variant.
Coding change: c.2313+10C>T on transcript NM_007190.4 (MANE Select); 10 bases into the intron after coding-DNA position 2313, C replaced by T.
Molecular consequence: intron variant.
Genome position (GRCh38, 1-based): chr10:119,926,237, C>T. VCF-style: chr10-119926237-C-T. GRCh37 (hg19) VCF-style: chr10-121685749-C-T.
Other names: c.2313+10C>T (NM_001411070.1).
Identifiers: ClinVar variation 3056185 (VCV003056185.2), dbSNP rs140615578, ClinGen allele CA5718805.
Genomic context (GRCh38, chr10:119,926,237, plus strand): 5'-GTGTCTTCTGTGTGTGTGAATTATGAATCTTTTGAAGTTGGCGCCGGACAGGTGAGTTTA[C>T]ATATTGACTGGGGCTACATAGTTCATGTTGGAATCATAATCTTTATCATTTGGGTTGGCT-3'